The following is an entry in ClinVar:

NM_199420.4(POLQ):c.4322A>G (p.Gln1441Arg)

Gene: POLQ (DNA polymerase theta; minus strand). Cytogenetic location: 3q13.33.
Variant type: single nucleotide variant.
Coding change: c.4322A>G on transcript NM_199420.4 (MANE Select); coding-DNA position 4322, A replaced by G.
Protein change: p.Gln1441Arg; replaces glutamine 1441 with arginine.
Molecular consequence: missense variant.
Genome position (GRCh38, 1-based): chr3:121,488,609, T>C on the plus strand (A>G on the coding strand, the complement: POLQ is on the minus strand). VCF-style: chr3-121488609-T-C. GRCh37 (hg19) VCF-style: chr3-121207456-T-C.
Other names: short protein forms Q1441R.
Identifiers: ClinVar variation 1739710 (VCV001739710.2), dbSNP rs779151176, ClinGen allele CA2562914.
Genomic context (GRCh38, chr3:121,488,609, plus strand): 5'-AGAAGTATAACTGGTTTCACAGTTTCTTGTGTTTGATAACCTTGAAGAAAACTATTTAAT[T>C]GTGAATCAGTAACAGAAACTTCATTCTTTTTTAAAAAAAGACCATTTTCCTCCAATAGTA-3'
Protein context (NP_955452.3, residues 1431-1451): KKNEVSVTDS[Gln1441Arg]LNSFLQGYQT

ClinVar aggregate classification (germline): Uncertain significance (1 of 4 stars; one submission).

Allele frequency attached by ClinVar (database versions not stated): gnomAD exomes below 0.00001; TOPMed below 0.00001; ExAC 0.00001; gnomAD 0.00001.
gnomAD v4.1: 2 of 1,606,174 alleles (0.00012%); highest among the groups gnomAD compares: Non-Finnish European, 0.00017%; no homozygotes.

Submission:

Ambry Genetics
Classification: Uncertain significance. Last evaluated: 2021-11-02. Review status: criteria provided, single submitter. Criteria: Ambry Variant Classification Scheme 2023. Collection method: clinical testing. Allele origin: germline.
Comment: The p.Q1441R variant (also known as c.4322A>G), located in coding exon 16 of the POLQ gene, results from an A to G substitution at nucleotide position 4322. The glutamine at codon 1441 is replaced by arginine, an amino acid with highly similar properties. This amino acid position is conserved. In addition, the in silico prediction for this alteration is inconclusive. Since supporting evidence is limited at this time, the clinical significance of this alteration remains unclear.